The following is an entry in ClinVar:

NM_153816.6(SNX14):c.913-1G>T

Gene: SNX14 (sorting nexin 14; minus strand). Cytogenetic location: 6q14.3.
Variant type: single nucleotide variant.
Coding change: c.913-1G>T on transcript NM_153816.6 (MANE Select); the canonical splice acceptor site of the intron before coding-DNA position 913, G replaced by T.
Molecular consequence: splice acceptor variant.
Genome position (GRCh38, 1-based): chr6:85,547,398, C>A on the plus strand (G>T on the coding strand, the complement: SNX14 is on the minus strand). VCF-style: chr6-85547398-C-A. GRCh37 (hg19) VCF-style: chr6-86257116-C-A.
Other names: c.622-1G>T (NM_001350543.2); c.754-1G>T (NM_001350539.2); c.625-1G>T (NM_001350542.2); c.469-1G>T (NM_001350546.2, NM_001350545.2); c.-138-1G>T (NM_001350547.2); c.613-1G>T (NM_001350544.2); c.-239-1G>T (NM_001350553.2, NM_001350549.2, NM_001350548.2 and 2 more transcripts); c.757-1G>T (NM_001304479.2); and 7 more.
Identifiers: ClinVar variation 1521366 (VCV001521366.6), dbSNP rs1358743617, ClinGen allele CA364897156.
Genomic context (GRCh38, chr6:85,547,398, plus strand): 5'-TTCTGCAAATTTCTGCAAGAATGGAACCAAAGGAGAAGCCGGTTCAGTTGCTTTTTCAGG[C>A]TTTGAAAGAAAGAGAATTATTAACTCAGTAAAATTCCCACTTGATTTGACATACAAAATC-3'

ClinVar aggregate classification (germline): Likely pathogenic (1 of 4 stars; one submission).

Allele frequency attached by ClinVar (database versions not stated): TOPMed below 0.00001.

Submission:

Labcorp Genetics (formerly Invitae), Labcorp
Classification: Likely pathogenic. Last evaluated: 2021-04-04. Review status: criteria provided, single submitter. Criteria: Invitae Variant Classification Sherloc (09022015). Collection method: clinical testing. Allele origin: germline.
Comment: In summary, the currently available evidence indicates that the variant is pathogenic, but additional data are needed to prove that conclusively. Therefore, this variant has been classified as Likely Pathogenic. This variant has not been reported in the literature in individuals with SNX14-related conditions. This variant is not present in population databases (ExAC no frequency). This sequence change affects an acceptor splice site in intron 10 of the SNX14 gene. It is expected to disrupt RNA splicing. Variants that disrupt the donor or acceptor splice site typically lead to a loss of protein function (PMID: 16199547), and loss-of-function variants in SNX14 are known to be pathogenic (PMID: 25439728, 25848753).

Literature cited by the submitters: PubMed 16199547; PubMed 25439728; PubMed 25848753.